The following is an entry in ClinVar:

ClinVar aggregate classification (germline): Uncertain significance (1 of 4 stars; one submission).

Conditions:
DICER1-related tumor predisposition. Also called: DICER1-related pleuropulmonary blastoma cancer predisposition syndrome; DICER1 syndrome. Identifiers: Orphanet 284343, MedGen C3839822, MONDO:0100216.

Submission:

Labcorp Genetics (formerly Invitae), Labcorp
Classification: Uncertain significance for DICER1-related tumor predisposition. Last evaluated: 2019-12-11. Review status: criteria provided, single submitter. Criteria: Invitae Variant Classification Sherloc (09022015). Collection method: clinical testing. Allele origin: germline.
Comment: This sequence change replaces tyrosine with phenylalanine at codon 1874 of the DICER1 protein (p.Tyr1874Phe). The tyrosine residue is highly conserved and there is a small physicochemical difference between tyrosine and phenylalanine. This variant is not present in population databases (ExAC no frequency). This variant has not been reported in the literature in individuals with DICER1-related conditions. Algorithms developed to predict the effect of missense changes on protein structure and function are either unavailable or do not agree on the potential impact of this missense change (SIFT: "Tolerated"; PolyPhen-2: "Possibly Damaging"; Align-GVGD: "Class C0"). In summary, the available evidence is currently insufficient to determine the role of this variant in disease. Therefore, it has been classified as a Variant of Uncertain Significance.

NM_177438.3(DICER1):c.5621A>T (p.Tyr1874Phe)

Gene: DICER1 (dicer 1, ribonuclease III; minus strand). Cytogenetic location: 14q32.13.
Variant type: single nucleotide variant.
Coding change: c.5621A>T on transcript NM_177438.3 (MANE Select); coding-DNA position 5621, A replaced by T.
Protein change: p.Tyr1874Phe; replaces tyrosine 1874 with phenylalanine.
Molecular consequence: missense variant.
Genome position (GRCh38, 1-based): chr14:95,090,646, T>A on the plus strand (A>T on the coding strand, the complement: DICER1 is on the minus strand). VCF-style: chr14-95090646-T-A. GRCh37 (hg19) VCF-style: chr14-95556983-T-A.
Other names: c.5458A>T, p.Thr1820Ser (NM_001195573.1); c.5621A>T, p.Tyr1874Phe (NM_001271282.3, NM_001291628.2, NM_030621.4); short protein forms T1820S, Y1874F.
Identifiers: ClinVar variation 834125 (VCV000834125.11), dbSNP rs1889712074, ClinGen allele CA390863720.